The following is an entry in ClinVar:

ClinVar aggregate classification (germline): Likely benign (3 of 4 stars; one submission).

Conditions:
Hereditary factor VIII deficiency disease (HEMA). Also called: HEMOPHILIA, CLASSIC; Hemophilia A; Hemophilia A, congenital; HEM A; Factor 8 deficiency, congenital; AUTOSOMAL HEMOPHILIA A. Identifiers: Orphanet 98878, MedGen C0019069, MONDO:0010602, OMIM 306700.

gnomAD v4.1: 30 of 1,209,516 alleles (0.0025%); highest among the groups gnomAD compares: Non-Finnish European, 0.0032%; no homozygotes.

Submission:

ClinGen Coagulation Factor Deficiency Variant Curation Expert Panel, Clingen
Classification: Likely benign for Hereditary factor VIII deficiency disease. Last evaluated: 2026-02-06. Review status: reviewed by expert panel. Criteria: ClinGen CoagFactor ACMG Specifications F8 V1.0.0. Collection method: curation. Allele origin: germline. Inheritance: X-linked inheritance.
Comment: The c.4678C>T (p.Pro1560Ser) missense variant has a REVEL score of 0.251, meeting the BP4 cut-off. No population codes could be applied. In summary, the classification of the variant is likely benign. ACMG/AMP criteria applied, as specified by the Coagulation Factor Deficiency Variant Curation Expert Panel for F8/F9: BS2 and BP4.

NM_000132.4(F8):c.4678C>T (p.Pro1560Ser)

Gene: F8 (coagulation factor VIII; minus strand). Cytogenetic location: Xq28.
Variant type: single nucleotide variant.
Coding change: c.4678C>T on transcript NM_000132.4 (MANE Select); coding-DNA position 4678, C replaced by T.
Protein change: p.Pro1560Ser; replaces proline 1560 with serine.
Molecular consequence: missense variant.
Genome position (GRCh38, 1-based): chrX:154,929,112, G>A on the plus strand (C>T on the coding strand, the complement: F8 is on the minus strand). VCF-style: chrX-154929112-G-A. GRCh37 (hg19) VCF-style: chrX-154157387-G-A.
Other names: NM_000132.3:c.4678C>T; short protein forms P1560S.
Identifiers: ClinVar variation 4849495 (VCV004849495.1).